The following is an entry in ClinVar:

NM_017654.4(SAMD9):c.2140C>T (p.Leu714Phe)

Gene: SAMD9 (sterile alpha motif domain containing 9; minus strand). Cytogenetic location: 7q21.2.
Variant type: single nucleotide variant.
Coding change: c.2140C>T on transcript NM_017654.4 (MANE Select); coding-DNA position 2140, C replaced by T.
Protein change: p.Leu714Phe; replaces leucine 714 with phenylalanine.
Molecular consequence: missense variant.
Genome position (GRCh38, 1-based): chr7:93,103,958, G>A on the plus strand (C>T on the coding strand, the complement: SAMD9 is on the minus strand). VCF-style: chr7-93103958-G-A. GRCh37 (hg19) VCF-style: chr7-92733271-G-A.
Other names: c.2140C>T, p.Leu714Phe (NM_001193307.2); short protein forms L714F.
Identifiers: ClinVar variation 4532400 (VCV004532400.1).

ClinVar aggregate classification (germline): Uncertain significance (1 of 4 stars; one submission).

Submission:

GeneDx
Classification: Uncertain significance. Last evaluated: 2025-05-25. Review status: criteria provided, single submitter. Criteria: GeneDx Variant Classification Process June 2021. Collection method: clinical testing. Allele origin: germline. Affected: yes.
Comment: Not observed at significant frequency in large population cohorts (gnomAD); In silico analysis suggests that this missense variant does not alter protein structure/function; Has not been previously published as pathogenic or benign to our knowledge; This variant is associated with the following publications: (PMID: 28545555)